The following is an entry in ClinVar:

ClinVar aggregate classification (germline): Uncertain significance (1 of 4 stars; one submission).

Allele frequency attached by ClinVar (database versions not stated): gnomAD exomes below 0.00001; TOPMed 0.00001.

Submission:

Labcorp Genetics (formerly Invitae), Labcorp
Classification: Uncertain significance. Last evaluated: 2023-07-09. Review status: criteria provided, single submitter. Criteria: Invitae Variant Classification Sherloc (09022015). Collection method: clinical testing. Allele origin: germline.
Comment: In summary, the available evidence is currently insufficient to determine the role of this variant in disease. Therefore, it has been classified as a Variant of Uncertain Significance. Advanced modeling of protein sequence and biophysical properties (such as structural, functional, and spatial information, amino acid conservation, physicochemical variation, residue mobility, and thermodynamic stability) performed at Invitae indicates that this missense variant is not expected to disrupt GNAT1 protein function. ClinVar contains an entry for this variant (Variation ID: 1479645). This variant has not been reported in the literature in individuals affected with GNAT1-related conditions. This variant is present in population databases (rs767518257, gnomAD no frequency). This sequence change replaces asparagine, which is neutral and polar, with serine, which is neutral and polar, at codon 88 of the GNAT1 protein (p.Asn88Ser).

NM_144499.3(GNAT1):c.263A>G (p.Asn88Ser)

Gene: GNAT1 (G protein subunit alpha transducin 1; plus strand). Cytogenetic location: 3p21.31.
Variant type: single nucleotide variant.
Coding change: c.263A>G on transcript NM_144499.3 (MANE Select); coding-DNA position 263, A replaced by G.
Protein change: p.Asn88Ser; replaces asparagine 88 with serine.
Molecular consequence: missense variant.
Genome position (GRCh38, 1-based): chr3:50,193,378, A>G. VCF-style: chr3-50193378-A-G. GRCh37 (hg19) VCF-style: chr3-50230811-A-G.
Other names: c.263A>G, p.Asn88Ser (NM_000172.4); short protein forms N88S.
Identifiers: ClinVar variation 1479645 (VCV001479645.6), dbSNP rs767518257, ClinGen allele CA74601110.